The following is an entry in ClinVar:

ClinVar aggregate classification (germline): Uncertain significance. Review status: criteria provided, multiple submitters, no conflicts (2 of 4 stars). 3 submissions from 3 submitters: Uncertain significance (3). Last evaluated 2025-02-20.

Conditions:
Kabuki syndrome 2 (KABUK2). Also called: KDM6A-Related Kabuki Syndrome. Identifiers: Orphanet 2322, MedGen C3275495, MONDO:0010465, OMIM 300867.
Inborn genetic diseases. Identifiers: MedGen C0950123, MeSH D030342.

Allele frequency attached by ClinVar (database versions not stated): gnomAD exomes 0.00001.
gnomAD v4.1: 7 of 1,208,276 alleles (0.00058%); highest among the groups gnomAD compares: Non-Finnish European, 0.00078%; no homozygotes.

Submissions (3):

Ambry Genetics
Classification: Uncertain significance for Inborn genetic diseases. Last evaluated: 2025-02-20. Review status: criteria provided, single submitter. Criteria: Ambry Variant Classification Scheme 2023. Collection method: clinical testing. Allele origin: germline.

Labcorp Genetics (formerly Invitae), Labcorp
Classification: Uncertain significance for Kabuki syndrome 2. Last evaluated: 2024-08-19. Review status: criteria provided, single submitter. Criteria: Invitae Variant Classification Sherloc (09022015). Collection method: clinical testing. Allele origin: germline.
Comment: This sequence change replaces cysteine, which is neutral and slightly polar, with tyrosine, which is neutral and polar, at codon 402 of the KDM6A protein (p.Cys402Tyr). The frequency data for this variant in the population databases is considered unreliable, as metrics indicate poor data quality at this position in the gnomAD database. This variant has not been reported in the literature in individuals affected with KDM6A-related conditions. ClinVar contains an entry for this variant (Variation ID: 1722919). Invitae Evidence Modeling of protein sequence and biophysical properties (such as structural, functional, and spatial information, amino acid conservation, physicochemical variation, residue mobility, and thermodynamic stability) indicates that this missense variant is not expected to disrupt KDM6A protein function with a negative predictive value of 80%. In summary, the available evidence is currently insufficient to determine the role of this variant in disease. Therefore, it has been classified as a Variant of Uncertain Significance.

GeneDx
Classification: Uncertain significance. Last evaluated: 2022-11-01. Review status: criteria provided, single submitter. Criteria: GeneDx Variant Classification Process June 2021. Collection method: clinical testing. Allele origin: germline. Affected: yes.
Comment: In silico analysis supports that this missense variant has a deleterious effect on protein structure/function; Has not been previously published as pathogenic or benign to our knowledge

NM_001291415.2(KDM6A):c.1205G>A (p.Cys402Tyr)

Gene: KDM6A (lysine demethylase 6A; plus strand). Cytogenetic location: Xp11.3.
Variant type: single nucleotide variant.
Coding change: c.1205G>A on transcript NM_001291415.2 (MANE Select); coding-DNA position 1205, G replaced by A.
Protein change: p.Cys402Tyr; replaces cysteine 402 with tyrosine.
Molecular consequence: missense variant. On other transcripts: intron variant (4).
Genome position (GRCh38, 1-based): chrX:45,060,032, G>A. VCF-style: chrX-45060032-G-A. GRCh37 (hg19) VCF-style: chrX-44919277-G-A.
Other names: c.1205G>A, p.Cys402Tyr (NM_001410742.1, NM_021140.4); c.1194+566G>A (NM_001291416.2, NM_001291417.2, NM_001291418.2); c.441+566G>A (NM_001291421.2); short protein forms C402Y.
Identifiers: ClinVar variation 1722919 (VCV001722919.6), dbSNP rs1238185412, ClinGen allele CA412783082.